The following is an entry in ClinVar:

NM_012472.6(DNAAF11):c.1343T>C (p.Ile448Thr)

Gene: DNAAF11 (dynein axonemal assembly factor 11; minus strand). Cytogenetic location: 8q24.22.
Variant type: single nucleotide variant.
Coding change: c.1343T>C on transcript NM_012472.6 (MANE Select); coding-DNA position 1343, T replaced by C.
Protein change: p.Ile448Thr; replaces isoleucine 448 with threonine.
Molecular consequence: missense variant. On other transcripts: non-coding transcript variant (10).
Genome position (GRCh38, 1-based): chr8:132,572,364, A>G on the plus strand (T>C on the coding strand, the complement: DNAAF11 is on the minus strand). VCF-style: chr8-132572364-A-G. GRCh37 (hg19) VCF-style: chr8-133584612-A-G.
Other names: c.1283T>C, p.Ile428Thr (NM_001321961.2); c.1097T>C, p.Ile366Thr (NM_001321962.2); c.983T>C, p.Ile328Thr (NM_001321963.2, NM_001321964.2, NM_001321965.2); c.923T>C, p.Ile308Thr (NM_001321966.2); short protein forms I448T, I328T, I366T, I428T, I308T.
Identifiers: ClinVar variation 260272 (VCV000260272.20), dbSNP rs78620801, ClinGen allele CA4881076.

ClinVar aggregate classification (germline): Benign. Review status: criteria provided, multiple submitters, no conflicts (2 of 4 stars). 5 submissions from 5 submitters: Benign (5). Last evaluated 2026-01-27.

Conditions:
Primary ciliary dyskinesia 19. Also called: CILIARY DYSKINESIA, PRIMARY, 19, WITH OR WITHOUT SITUS INVERSUS. Identifiers: Orphanet 244, MedGen C3543826, MONDO:0013979, OMIM 614935.
Primary ciliary dyskinesia. Also called: Ciliary dyskinesia. Identifiers: Orphanet 244, MedGen C0008780, MONDO:0016575, HP:0012265.

Allele frequency attached by ClinVar (database versions not stated): gnomAD exomes 0.00098 and 0.00340; gnomAD 0.00116 and 0.00149; TOPMed 0.00201; ExAC 0.00331; 1000 Genomes Project 30x 0.00578; 1000 Genomes Project 0.00639.
gnomAD v4.1: 1,673 of 1,614,042 alleles (0.1%); highest among the groups gnomAD compares: East Asian, 3.4%; 27 homozygotes.

Submissions (5):

Labcorp Genetics (formerly Invitae), Labcorp
Classification: Benign for Primary ciliary dyskinesia 19. Last evaluated: 2026-01-27. Review status: criteria provided, single submitter. Criteria: Invitae Variant Classification Sherloc (09022015). Collection method: clinical testing. Allele origin: germline.

ARUP Laboratories, Molecular Genetics and Genomics, ARUP Laboratories
Classification: Benign. Last evaluated: 2024-11-04. Review status: criteria provided, single submitter. Criteria: ARUP Molecular Germline Variant Investigation Process 2024. Collection method: clinical testing. Allele origin: germline.

Ambry Genetics
Classification: Benign for Primary ciliary dyskinesia. Last evaluated: 2019-08-26. Review status: criteria provided, single submitter. Criteria: Ambry Variant Classification Scheme 2023. Collection method: clinical testing. Allele origin: germline.

Illumina Laboratory Services, Illumina
Classification: Benign for Primary ciliary dyskinesia 19. Last evaluated: 2017-04-27. Review status: criteria provided, single submitter. Criteria: ICSL Variant Classification Criteria 13 December 2019. Collection method: clinical testing. Allele origin: germline.
Comment: This variant was observed as part of a predisposition screen in an ostensibly healthy population. A literature search was performed for the gene, cDNA change, and amino acid change (where applicable). No publications were found based on this search. Allele frequency data from public databases was too high to be consistent with this variant causing disease. Therefore, this variant is classified as benign.

PreventionGenetics, part of Exact Sciences
Classification: Benign. Review status: criteria provided, single submitter. Criteria: ACMG Guidelines, 2015. Collection method: clinical testing. Allele origin: germline.